The following is an entry in ClinVar:

NM_000492.4(CFTR):c.3580G>A (p.Glu1194Lys)

Genes: CFTR (CF transmembrane conductance regulator; plus strand), CFTR-AS2 (CFTR antisense RNA 2; minus strand). Cytogenetic location: 7q31.2.
Variant type: single nucleotide variant.
Coding change: c.3580G>A on transcript NM_000492.4 (MANE Select); coding-DNA position 3580, G replaced by A.
Protein change: p.Glu1194Lys; replaces glutamic acid 1194 with lysine.
Molecular consequence: missense variant.
Genome position (GRCh38, 1-based): chr7:117,627,633, G>A. VCF-style: chr7-117627633-G-A. GRCh37 (hg19) VCF-style: chr7-117267687-G-A.
Other names: short protein forms E1194K.
Identifiers: ClinVar variation 3491702 (VCV003491702.1).

ClinVar aggregate classification (germline): Uncertain significance (1 of 4 stars; one submission).

Conditions:
Cystic fibrosis (CF). Also called: MUCOVISCIDOSIS. Identifiers: Orphanet 586, MedGen C0010674, MONDO:0009061, OMIM 219700. Disease mechanism: loss of function.

Submission:

Ambry Genetics
Classification: Uncertain significance for Cystic fibrosis. Last evaluated: 2024-11-17. Review status: criteria provided, single submitter. Criteria: Ambry Variant Classification Scheme 2023. Collection method: clinical testing. Allele origin: germline.
Comment: The p.E1194K variant (also known as c.3580G>A), located in coding exon 22 of the CFTR gene, results from a G to A substitution at nucleotide position 3580. The glutamic acid at codon 1194 is replaced by lysine, an amino acid with similar properties. This amino acid position is conserved. In addition, the in silico prediction for this alteration is inconclusive. Based on the available evidence, the clinical significance of this variant remains unclear.